The following is an entry in ClinVar:

ClinVar aggregate classification (germline): Uncertain significance (1 of 4 stars; one submission).

Conditions:
CEP290-related disorder. Also called: CEP290-related condition; CEP290-related disorders. Identifiers: MedGen CN239314.

Submission:

PreventionGenetics, part of Exact Sciences
Classification: Uncertain significance for CEP290-related condition. Last evaluated: 2025-07-15. Review status: criteria provided, single submitter. Criteria: ACMG Guidelines, 2015. Collection method: clinical testing. Allele origin: germline.
Comment: The CEP290 c.4376A>C variant is predicted to result in the amino acid substitution p.Lys1459Thr. To our knowledge, this variant has not been reported in the literature or in a large population database (gnomAD), indicating this variant is rare. At this time, the clinical significance of this variant is uncertain due to the absence of conclusive functional and genetic evidence.

NM_025114.4(CEP290):c.4376A>C (p.Lys1459Thr)

Gene: CEP290 (centrosomal protein 290; minus strand). Cytogenetic location: 12q21.32.
Variant type: single nucleotide variant.
Coding change: c.4376A>C on transcript NM_025114.4 (MANE Select); coding-DNA position 4376, A replaced by C.
Protein change: p.Lys1459Thr; replaces lysine 1459 with threonine.
Molecular consequence: missense variant.
Genome position (GRCh38, 1-based): chr12:88,086,100, T>G on the plus strand (A>C on the coding strand, the complement: CEP290 is on the minus strand). VCF-style: chr12-88086100-T-G. GRCh37 (hg19) VCF-style: chr12-88479877-T-G.
Other names: short protein forms K1459T.
Identifiers: ClinVar variation 5001609 (VCV005001609.1).
Genomic context (GRCh38, chr12:88,086,100, plus strand): 5'-TCTTCTAGTGATTTGCAAGTTGCCCGTGTTTCTAGAATTATTCGAATGTTCTCCTTAATT[T>G]TCCTTAGAGCGATCTCAAGTTGATTTGGAAGGGGCAAACTAGGGTCAGGGATTGATCCTG-3'
Protein context (NP_079390.3, residues 1449-1469): LPNQLEIALR[Lys1459Thr]IKENIRIILE